The following is an entry in ClinVar:

ClinVar aggregate classification (germline): Benign. Review status: criteria provided, multiple submitters, no conflicts (2 of 4 stars). 12 submissions from 12 submitters: Benign (7). 5 of the submissions do not count toward it. Last evaluated 2026-02-04.

Conditions:
Autosomal dominant Parkinson disease 8. Also called: LRRK2-Related Parkinson Disease; Parkinson disease 8; Parkinson disease 8, susceptibility to. Identifiers: Orphanet 411602, MedGen C1846862, MONDO:0011764, OMIM 607060.
Leprosy, susceptibility to, 1. Also called: LEPROSY, PAUCIBACILLARY TYPE, SUSCEPTIBILITY TO, 1; Leprosy 1; LPRS1. Identifiers: Orphanet 548, MedGen C1835932, MONDO:0012358, OMIM 609888.

Allele frequency attached by ClinVar (database versions not stated): 1000 Genomes Project 0.55172; TOPMed 0.59753; ESP Exome Variant Server 0.61227; gnomAD 0.61630 and 0.61824; gnomAD exomes 0.61714 and 0.65323; ExAC 0.62398; 1000 Genomes Project 30x 0.55137.

Submissions (12):

Labcorp Genetics (formerly Invitae), Labcorp
Classification: Benign for Autosomal dominant Parkinson disease 8. Last evaluated: 2026-02-04. Review status: criteria provided, single submitter. Criteria: Invitae Variant Classification Sherloc (09022015). Collection method: clinical testing. Allele origin: germline.

Blueprint Genetics
Classification: Benign. Last evaluated: 2024-11-27. Review status: criteria provided, single submitter. Criteria: ACMG Guidelines, 2015. Collection method: clinical testing. Allele origin: germline.

Mayo Clinic Laboratories, Mayo Clinic
Classification: Benign. Last evaluated: 2023-01-10. Review status: criteria provided, single submitter. Criteria: ACMG Guidelines, 2015. Collection method: clinical testing. Allele origin: germline. Observed: 554 variant alleles.
Comment: BA1, BP4

GeneDx
Classification: Benign. Last evaluated: 2018-08-30. Review status: criteria provided, single submitter. Criteria: GeneDx Variant Classification Process June 2021. Collection method: clinical testing. Allele origin: germline. Affected: yes.
Comment: This variant is associated with the following publications: (PMID: 26844546, 25521227, 30917570, 25378673)

Illumina Laboratory Services, Illumina
Classification: Benign for Autosomal dominant Parkinson disease 8. Last evaluated: 2018-01-13. Review status: criteria provided, single submitter. Criteria: ICSL Variant Classification Criteria 13 December 2019. Collection method: clinical testing. Allele origin: germline.
Comment: This variant was observed in the ICSL laboratory as part of a predisposition screen in an ostensibly healthy population. It had not been previously curated by ICSL or reported in the Human Gene Mutation Database (HGMD: prior to June 1st, 2018), and was therefore a candidate for classification through an automated scoring system. Utilizing variant allele frequency, disease prevalence and penetrance estimates, and inheritance mode, an automated score was calculated to assess if this variant is too frequent to cause the disease. Based on the score and internal cut-off values, a variant classified as benign is not then subjected to further curation. The score for this variant resulted in a classification of benign for this disease.

Athena Diagnostics
Classification: Benign. Last evaluated: 2017-08-04. Review status: criteria provided, single submitter. Criteria: Athena Diagnostics Criteria. Collection method: clinical testing. Allele origin: germline.

Breakthrough Genomics
Classification: Benign. Review status: criteria provided, single submitter. Criteria: ACMG Guidelines, 2015. Collection method: not provided. Allele origin: germline. Inheritance: Autosomal dominant inheritance. Affected: yes.

Centro Dermatológico Federico Lleras Acosta, Hospital Universitario Centro Dermatológico Federico Lleras Acosta
Classification: confers sensitivity for Leprosy, susceptibility to, 1. Last evaluated: 2022-06-10. Review status: no assertion criteria provided. Collection method: case-control. Allele origin: inherited. Affected: yes. Not counted in ClinVar's aggregate classification.

Clinical Genetics DNA and cytogenetics Diagnostics Lab, Erasmus MC, Erasmus Medical Center
Classification: Benign. Review status: no assertion criteria provided. Collection method: clinical testing. Allele origin: germline. Affected: yes. Study: VKGL Data-share Consensus. Not counted in ClinVar's aggregate classification.

Diagnostic Laboratory, Department of Genetics, University Medical Center Groningen
Classification: Benign. Review status: no assertion criteria provided. Collection method: clinical testing. Allele origin: germline. Affected: yes. Study: VKGL Data-share Consensus. Not counted in ClinVar's aggregate classification.

Genome Diagnostics Laboratory, Amsterdam University Medical Center
Classification: Benign. Review status: no assertion criteria provided. Collection method: clinical testing. Allele origin: germline. Affected: yes. Study: VKGL Data-share Consensus. Not counted in ClinVar's aggregate classification.

Joint Genome Diagnostic Labs from Nijmegen and Maastricht, Radboudumc and MUMC+
Classification: Benign. Review status: no assertion criteria provided. Collection method: clinical testing. Allele origin: germline. Affected: yes. Study: VKGL Data-share Consensus. Not counted in ClinVar's aggregate classification.

Literature cited by the submitters: PubMed 25378673 (cited by Mayo Clinic Laboratories, Mayo Clinic).

NM_198578.4(LRRK2):c.7190T>C (p.Met2397Thr)

Gene: LRRK2 (leucine rich repeat kinase 2; plus strand). Cytogenetic location: 12q12.
Variant type: single nucleotide variant.
Coding change: c.7190T>C on transcript NM_198578.4 (MANE Select); coding-DNA position 7190, T replaced by C.
Protein change: p.Met2397Thr; replaces methionine 2397 with threonine.
Molecular consequence: missense variant.
Genome position (GRCh38, 1-based): chr12:40,364,850, T>C. VCF-style: chr12-40364850-T-C. GRCh37 (hg19) VCF-style: chr12-40758652-T-C.
Other names: short protein forms M2397T.
Identifiers: ClinVar variation 308647 (VCV000308647.26), dbSNP rs3761863, ClinGen allele CA6514881.